The following is an entry in ClinVar:

ClinVar aggregate classification (germline): Uncertain significance (1 of 4 stars; one submission).

Conditions:
Dilated cardiomyopathy 1DD (CMD1DD). Identifiers: Orphanet 154, MedGen C2750995, MONDO:0013168, OMIM 613172.

gnomAD v4.1: 1 of 1,519,832 alleles (0.000066%); highest among the groups gnomAD compares: Non-Finnish European, 0.000088%; no homozygotes.

Submission:

Labcorp Genetics (formerly Invitae), Labcorp
Classification: Uncertain significance for Dilated cardiomyopathy 1DD. Last evaluated: 2024-06-26. Review status: criteria provided, single submitter. Criteria: Invitae Variant Classification Sherloc (09022015). Collection method: clinical testing. Allele origin: germline.
Comment: This sequence change replaces serine, which is neutral and polar, with arginine, which is basic and polar, at codon 8 of the RBM20 protein (p.Ser8Arg). This variant is not present in population databases (gnomAD no frequency). This variant has not been reported in the literature in individuals affected with RBM20-related conditions. Advanced modeling of protein sequence and biophysical properties (such as structural, functional, and spatial information, amino acid conservation, physicochemical variation, residue mobility, and thermodynamic stability) performed at Invitae indicates that this missense variant is not expected to disrupt RBM20 protein function with a negative predictive value of 95%. In summary, the available evidence is currently insufficient to determine the role of this variant in disease. Therefore, it has been classified as a Variant of Uncertain Significance.

NM_001134363.3(RBM20):c.24C>G (p.Ser8Arg)

Gene: RBM20 (RNA binding motif protein 20; plus strand). Cytogenetic location: 10q25.2.
Variant type: single nucleotide variant.
Coding change: c.24C>G on transcript NM_001134363.3 (MANE Select); coding-DNA position 24, C replaced by G.
Protein change: p.Ser8Arg; replaces serine 8 with arginine.
Molecular consequence: missense variant.
Genome position (GRCh38, 1-based): chr10:110,644,478, C>G. VCF-style: chr10-110644478-C-G. GRCh37 (hg19) VCF-style: chr10-112404236-C-G.
Other names: short protein forms S8R.
Identifiers: ClinVar variation 3711567 (VCV003711567.2).